The following is an entry in ClinVar:

ClinVar aggregate classification (germline): Uncertain significance. Review status: criteria provided, multiple submitters, no conflicts (2 of 4 stars). 3 submissions from 3 submitters: Uncertain significance (3). Last evaluated 2024-05-06.

Conditions:
Ataxia-telangiectasia-like disorder (ATLD). Identifiers: MedGen C1858391, MONDO:0011457.
Ataxia-telangiectasia-like disorder 1 (ATLD1). Identifiers: Orphanet 251347, MedGen C4012790, MONDO:0024557, OMIM 604391.
Hereditary cancer-predisposing syndrome. Also called: Hereditary Cancer Syndrome; Neoplastic Syndromes, Hereditary; Tumor predisposition; Hereditary neoplastic syndrome. Identifiers: Orphanet 140162, MedGen C0027672, MeSH D009386, MONDO:0015356.

Allele frequency attached by ClinVar (database versions not stated): TOPMed 0.00002.

Submissions (3):

Labcorp Genetics (formerly Invitae), Labcorp
Classification: Uncertain significance for Ataxia-telangiectasia-like disorder. Last evaluated: 2024-05-06. Review status: criteria provided, single submitter. Criteria: Invitae Variant Classification Sherloc (09022015). Collection method: clinical testing. Allele origin: germline.
Comment: This sequence change replaces alanine, which is neutral and non-polar, with serine, which is neutral and polar, at codon 440 of the MRE11 protein (p.Ala440Ser). This variant is present in population databases (rs773469981, gnomAD 0.01%). This variant has not been reported in the literature in individuals affected with MRE11-related conditions. ClinVar contains an entry for this variant (Variation ID: 479776). An algorithm developed to predict the effect of missense changes on protein structure and function (PolyPhen-2) suggests that this variant is likely to be tolerated. In summary, the available evidence is currently insufficient to determine the role of this variant in disease. Therefore, it has been classified as a Variant of Uncertain Significance.

Ambry Genetics
Classification: Uncertain significance for Hereditary cancer-predisposing syndrome. Last evaluated: 2023-03-17. Review status: criteria provided, single submitter. Criteria: Ambry Variant Classification Scheme 2023. Collection method: clinical testing. Allele origin: germline.
Comment: The p.A440S variant (also known as c.1318G>T), located in coding exon 11 of the MRE11A gene, results from a G to T substitution at nucleotide position 1318. The alanine at codon 440 is replaced by serine, an amino acid with similar properties. This amino acid position is well conserved in available vertebrate species. In addition, this alteration is predicted to be tolerated by in silico analysis. Since supporting evidence is limited at this time, the clinical significance of this alteration remains unclear.

Fulgent Genetics
Classification: Uncertain significance for Ataxia-telangiectasia-like disorder 1. Last evaluated: 2018-10-31. Review status: criteria provided, single submitter. Criteria: ACMG Guidelines, 2015. Collection method: clinical testing. Allele origin: unknown.

NM_005591.4(MRE11):c.1318G>T (p.Ala440Ser)

Gene: MRE11 (MRE11 double strand break repair nuclease; minus strand). Cytogenetic location: 11q21.
Variant type: single nucleotide variant.
Coding change: c.1318G>T on transcript NM_005591.4 (MANE Select); coding-DNA position 1318, G replaced by T.
Protein change: p.Ala440Ser; replaces alanine 440 with serine.
Molecular consequence: missense variant.
Genome position (GRCh38, 1-based): chr11:94,460,944, C>A on the plus strand (G>T on the coding strand, the complement: MRE11 is on the minus strand). VCF-style: chr11-94460944-C-A. GRCh37 (hg19) VCF-style: chr11-94194110-C-A.
Other names: c.1318G>T, p.Ala440Ser (NM_001330347.2, NM_005590.4); short protein forms A440S.
Identifiers: ClinVar variation 479776 (VCV000479776.15), dbSNP rs773469981, ClinGen allele CA6235106.